The following is an entry in ClinVar:

NM_001849.4(COL6A2):c.2789G>A (p.Arg930His)

Gene: COL6A2 (collagen type VI alpha 2 chain; plus strand). Cytogenetic location: 21q22.3.
Variant type: single nucleotide variant.
Coding change: c.2789G>A on transcript NM_001849.4 (MANE Select); coding-DNA position 2789, G replaced by A.
Protein change: p.Arg930His; replaces arginine 930 with histidine.
Molecular consequence: missense variant.
Genome position (GRCh38, 1-based): chr21:46,132,281, G>A. VCF-style: chr21-46132281-G-A. GRCh37 (hg19) VCF-style: chr21-47552195-G-A.
Other names: short protein forms R930H.
Identifiers: ClinVar variation 933599 (VCV000933599.12), dbSNP rs762812372, ClinGen allele CA10073025.

ClinVar aggregate classification (germline): Conflicting classifications of pathogenicity. Review status: criteria provided, conflicting classifications (1 of 4 stars). 3 submissions from 3 submitters: Uncertain significance (1); Likely benign (1). 1 of the submissions does not count toward it. Last evaluated 2026-01-01.

Conditions:
COL6A2-related disorder.
Bethlem myopathy 1A. Also called: Bethlem Muscular Dystrophy; MYOPATHY, BENIGN CONGENITAL, WITH CONTRACTURES; Bethlem myopathy 1. Identifiers: Orphanet 610, MedGen CN029274, MONDO:0024530, OMIM 158810.

Allele frequency attached by ClinVar (database versions not stated): gnomAD 0.00002; TOPMed 0.00004; gnomAD exomes 0.00005; ExAC 0.00006.
gnomAD v4.1: 67 of 1,606,160 alleles (0.0042%); highest among the groups gnomAD compares: Non-Finnish European, 0.005%; no homozygotes.

Submissions (3):

Labcorp Genetics (formerly Invitae), Labcorp
Classification: Likely benign for Bethlem myopathy 1A. Last evaluated: 2026-01-01. Review status: criteria provided, single submitter. Criteria: Invitae Variant Classification Sherloc (09022015). Collection method: clinical testing. Allele origin: germline.

Blueprint Genetics
Classification: Uncertain significance. Last evaluated: 2024-06-21. Review status: criteria provided, single submitter. Criteria: ACMG Guidelines, 2015. Collection method: clinical testing. Allele origin: germline.

PreventionGenetics, part of Exact Sciences
Classification: Uncertain significance for COL6A2-related condition. Last evaluated: 2024-04-08. Review status: no assertion criteria provided. Collection method: clinical testing. Allele origin: germline. Not counted in ClinVar's aggregate classification.
Comment: The COL6A2 c.2789G>A variant is predicted to result in the amino acid substitution p.Arg930His. To our knowledge, this variant has not been reported in the literature. This variant is reported in 0.0092% of alleles in individuals of European (Non-Finnish) descent in gnomAD. At this time, the clinical significance of this variant is uncertain due to the absence of conclusive functional and genetic evidence.